The following is an entry in ClinVar:

NM_000628.5(IL10RB):c.641A>G (p.His214Arg)

Genes: IL10RB (interleukin 10 receptor subunit beta; plus strand), IFNAR2-IL10RB (IFNAR2-IL10RB readthrough; plus strand). Cytogenetic location: 21q22.11.
Variant type: single nucleotide variant.
Coding change: c.641A>G on transcript NM_000628.5 (MANE Select); coding-DNA position 641, A replaced by G.
Protein change: p.His214Arg; replaces histidine 214 with arginine.
Molecular consequence: missense variant.
Genome position (GRCh38, 1-based): chr21:33,283,236, A>G. VCF-style: chr21-33283236-A-G. GRCh37 (hg19) VCF-style: chr21-34655541-A-G.
Other names: short protein forms H214R.
Identifiers: ClinVar variation 1490999 (VCV001490999.5), dbSNP rs949664612, ClinGen allele CA410110438.

ClinVar aggregate classification (germline): Uncertain significance (1 of 4 stars; one submission).

Conditions:
Inflammatory bowel disease 25. Also called: Inflammatory bowel disease 25, early onset, autosomal recessive. Identifiers: Orphanet 238569, MedGen C2675508, MONDO:0012941, OMIM 612567.

Allele frequency attached by ClinVar (database versions not stated): gnomAD 0.00001; gnomAD exomes 0.00001.
gnomAD v4.1: 9 of 1,613,634 alleles (0.00056%); highest among the groups gnomAD compares: Middle Eastern, 0.035%; no homozygotes.

Submission:

Labcorp Genetics (formerly Invitae), Labcorp
Classification: Uncertain significance for Inflammatory bowel disease 25. Last evaluated: 2021-08-26. Review status: criteria provided, single submitter. Criteria: Invitae Variant Classification Sherloc (09022015). Collection method: clinical testing. Allele origin: germline.
Comment: This sequence change replaces histidine with arginine at codon 214 of the IL10RB protein (p.His214Arg). The histidine residue is weakly conserved and there is a small physicochemical difference between histidine and arginine. This variant is not present in population databases (ExAC no frequency). This variant has not been reported in the literature in individuals affected with IL10RB-related conditions. Algorithms developed to predict the effect of missense changes on protein structure and function (SIFT, PolyPhen-2, Align-GVGD) all suggest that this variant is likely to be tolerated. In summary, the available evidence is currently insufficient to determine the role of this variant in disease. Therefore, it has been classified as a Variant of Uncertain Significance.